The following is an entry in ClinVar:

NM_002180.3(IGHMBP2):c.1808G>A (p.Arg603His)

Gene: IGHMBP2 (immunoglobulin mu DNA binding protein 2; plus strand). Cytogenetic location: 11q13.3.
Variant type: single nucleotide variant.
Coding change: c.1808G>A on transcript NM_002180.3 (MANE Select); coding-DNA position 1808, G replaced by A.
Protein change: p.Arg603His; replaces arginine 603 with histidine.
Molecular consequence: missense variant.
Genome position (GRCh38, 1-based): chr11:68,936,288, G>A. VCF-style: chr11-68936288-G-A. GRCh37 (hg19) VCF-style: chr11-68703756-G-A.
Other names: short protein forms R603H.
Identifiers: ClinVar variation 235774 (VCV000235774.17), dbSNP rs151079750, ClinGen allele CA6153783.

ClinVar aggregate classification (germline): Pathogenic/Likely pathogenic. Review status: criteria provided, multiple submitters, no conflicts (2 of 4 stars). 8 submissions from 8 submitters: Pathogenic (3); Likely pathogenic (4). 1 of the submissions does not count toward it. Last evaluated 2026-03-21.

Conditions:
Distal spinal muscular atrophy. Also called: Distal hereditary motor neuropathy; Distal hereditary motor neuronopathy. Identifiers: Orphanet 53739, MedGen C0393541, MONDO:0018894.
Charcot-Marie-Tooth disease axonal type 2S. Also called: CHARCOT-MARIE-TOOTH DISEASE, AXONAL, AUTOSOMAL RECESSIVE, TYPE 2S; CHARCOT-MARIE-TOOTH NEUROPATHY, TYPE 2S. Identifiers: Orphanet 443073, MedGen C4015349, MONDO:0014511, OMIM 616155.
Autosomal recessive distal spinal muscular atrophy 1. Also called: Spinal muscular atrophy with respiratory distress 1; SPINAL MUSCULAR ATROPHY, DIAPHRAGMATIC; NEURONOPATHY, DISTAL HEREDITARY MOTOR, HARDING TYPE VI; NEUROPATHY, DISTAL HEREDITARY MOTOR, AUTOSOMAL RECESSIVE 1; HMN VI; NEURONOPATHY, SEVERE INFANTILE AXONAL, WITH RESPIRATORY FAILURE. Identifiers: Orphanet 98920, MedGen C1858517, MONDO:0011436, OMIM 604320.
Charcot-Marie-Tooth disease. Also called: Charcot-Marie-Tooth Neuropathy; Charcot-Marie-Tooth Hereditary Neuropathy. Identifiers: Orphanet 166, MedGen C0007959, MONDO:0015626.

Allele frequency attached by ClinVar (database versions not stated): gnomAD 0.00001; gnomAD exomes 0.00001; ESP Exome Variant Server 0.00008; TOPMed below 0.00001; ExAC 0.00001.
gnomAD v4.1: 19 of 1,614,042 alleles (0.0012%); highest among the groups gnomAD compares: Non-Finnish European, 0.0014%; no homozygotes.

Submissions (8):

Dasa
Classification: Likely pathogenic. Last evaluated: 2026-03-21. Review status: criteria provided, single submitter. Criteria: DASA Assertion Criteria. Collection method: clinical testing. Allele origin: germline.
Comment: NM_002180.3(IGHMBP2):c.1808G>A (p.Arg603His) is a missense variant that results in the substitution of arginine with histidine. This variant has been recurrently observed in individuals with IGHMBP2-related disorders (PMID: 40129607; PMID: 14681881). Functional evidence supports an impact on the gene or gene product (PMID: 40129607; PMID: 14681881). Also, this variant is rare in population databases. Computational evidence supports a deleterious effect. Based on the currently available evidence, this variant is classified as likely pathogenic.

Labcorp Genetics (formerly Invitae), Labcorp
Classification: Likely pathogenic for Autosomal recessive distal spinal muscular atrophy 1; Charcot-Marie-Tooth disease axonal type 2S. Last evaluated: 2025-09-02. Review status: criteria provided, single submitter. Criteria: Invitae Variant Classification Sherloc (09022015). Collection method: clinical testing. Allele origin: germline.
Comment: This sequence change replaces arginine, which is basic and polar, with histidine, which is basic and polar, at codon 603 of the IGHMBP2 protein (p.Arg603His). This variant is present in population databases (rs151079750, gnomAD 0.002%). This missense change has been observed in individuals with clinical features of IGHMBP2-related conditions (PMID: 14681881, 25473036, 32376792). ClinVar contains an entry for this variant (Variation ID: 235774). Invitae Evidence Modeling of protein sequence and biophysical properties (such as structural, functional, and spatial information, amino acid conservation, physicochemical variation, residue mobility, and thermodynamic stability) indicates that this missense variant is expected to disrupt IGHMBP2 protein function with a positive predictive value of 95%. Experimental studies have shown that this missense change affects IGHMBP2 function (PMID: 19158098). In summary, the currently available evidence indicates that the variant is pathogenic, but additional data are needed to prove that conclusively. Therefore, this variant has been classified as Likely Pathogenic.

Victorian Clinical Genetics Services, Murdoch Childrens Research Institute
Classification: Pathogenic for Autosomal recessive distal spinal muscular atrophy 1. Last evaluated: 2025-05-08. Review status: criteria provided, single submitter. Criteria: ACMG Guidelines, 2015. Collection method: clinical testing. Allele origin: germline.
Comment: This variant is classified as Pathogenic. Evidence in support of pathogenic classification: Variant is present in gnomAD <0.01 for a recessive condition (v4: 19 heterozygote(s), 0 homozygote(s)); This variant has strong previous evidence of pathogenicity in unrelated individuals. This variant has been classified multiple times as pathogenic and likely pathogenic, and once as a VUS, by clinical laboratories (ClinVar). This variant has moderate functional evidence supporting abnormal protein function. Functional in vitro studies show this variant, compared to the wild-type, has reduced ATPase activity and impaired unwinding activity of RNA duplices (PMID: 19158098); Missense variant predicted to be damaging by in silico tool(s) or highly conserved with a major amino acid change. Additional information: Variant is predicted to result in a missense amino acid change from arginine to histidine; This variant is heterozygous; This gene is associated with autosomal recessive disease; Alternative amino acid change(s) at the same position are present in gnomAD (Highest allele count: v4: 8 heterozygote(s), 0 homozygote(s)); Other missense variant(s) comparable to the one identified in this case have inconclusive previous evidence for pathogenicity. Both p.(Arg603Gly) and p.(Arg603Cys) have been classified as VUS by clinical laboratories; however, p.(Arg603Gly) has an additional likely pathogenic classification (ClinVar). p.(Arg603Cys) has been reported in a compound heterozygous individual affected with SMARD1 who also presented with fetal hypotrophy and ventricular septal defect (PMID: 15108294); Variant is located in the annotated AAA 12 domain (DECIPHER); Loss of function is a known mechanism of disease in this gene and is associated with Charcot-Marie-Tooth disease, axonal, type 2S (MIM#616155) and neuronopathy, distal hereditary motor, type VI (MIM#604320).

GeneDx
Classification: Pathogenic. Last evaluated: 2024-02-12. Review status: criteria provided, single submitter. Criteria: GeneDx Variant Classification Process June 2021. Collection method: clinical testing. Allele origin: germline. Affected: yes.
Comment: Reported previously in an individual with spinal muscular atrophy with respiratory distress type 1 who harbored a second IGHMBP2 variant (PMID: 14681881); Functional studies indicate that R603H severely reduces ATPase activity and impairs unwinding activity on RNA duplices (PMID: 19158098); Not observed at significant frequency in large population cohorts (gnomAD); In silico analysis supports that this missense variant has a deleterious effect on protein structure/function; This variant is associated with the following publications: (PMID: 14681881, 22965130, 32376792, 25473036, 24388491, 25439726, 19158098)

Women's Health and Genetics/Laboratory Corporation of America, LabCorp
Classification: Likely pathogenic for Charcot-Marie-Tooth disease axonal type 2S. Last evaluated: 2023-05-30. Review status: criteria provided, single submitter. Criteria: LabCorp Variant Classification Summary - May 2015. Collection method: clinical testing. Allele origin: germline.
Comment: Variant summary: IGHMBP2 c.1808G>A (p.Arg603His) results in a non-conservative amino acid change to a highly conserved residue (HGMD) in the encoded protein sequence. Five of five in-silico tools predict a damaging effect of the variant on protein function. The variant allele was found at a frequency of 8e-06 in 251234 control chromosomes (gnomAD). c.1808G>A has been reported in the literature in individuals affected with Charcot-Marie-Tooth Disease or Spinal Muscular Atrophy (Grohmann_2003, Soden_2014, Volodarsky_2021), and some were reported as compound heterozygous with other likely pathogenic variants. These data indicate that the variant is likely associated with disease. One publication reports experimental evidence evaluating an impact on protein function, showing that the variant results in a loss of ATPase activity (Guenther_2009). The following publications have been ascertained in the context of this evaluation (PMID: 14681881, 19158098, 25473036, 32376792). Two clinical diagnostic laboratories have submitted clinical-significance assessments for this variant to ClinVar after 2014, and classified it as likely pathogenic (n=1) or uncertain significance (n=1). Based on the evidence outlined above, the variant was classified as likely pathogenic.

Center for Pediatric Genomic Medicine, Children's Mercy Hospital and Clinics
Classification: Pathogenic. Last evaluated: 2017-10-05. Review status: criteria provided, single submitter. Criteria: ACMG Guidelines, 2015. Collection method: clinical testing. Allele origin: germline.

Molecular Genetics Laboratory, London Health Sciences Centre
Classification: Likely pathogenic for Charcot-Marie-Tooth disease. Review status: criteria provided, single submitter. Criteria: ACMG Guidelines, 2015. Collection method: clinical testing. Allele origin: germline. Affected: yes.

Inherited Neuropathy Consortium
Classification: Uncertain significance for Distal spinal muscular atrophy. Review status: no assertion criteria provided. Collection method: literature only. Allele origin: germline. Affected: yes. Not counted in ClinVar's aggregate classification.

Literature cited by the submitters: PubMed 40129607 (cited by Dasa); PubMed 14681881 (cited by 5 submitters); PubMed 22965130 (cited by Dasa); PubMed 19158098 (cited by 4 submitters); PubMed 25473036 (cited by Labcorp Genetics (formerly Invitae), Labcorp and Women's Health and Genetics/Laboratory Corporation of America, LabCorp); PubMed 32376792 (cited by Labcorp Genetics (formerly Invitae), Labcorp and Women's Health and Genetics/Laboratory Corporation of America, LabCorp); PubMed 15108294 (cited by Victorian Clinical Genetics Services, Murdoch Childrens Research Institute).